The following is an entry in ClinVar:

ClinVar aggregate classification (germline): Likely pathogenic (0 of 4 stars; one submission).

Submission:

ISCA site 4
Classification: Likely pathogenic. Last evaluated: 2017-09-01. Review status: no assertion criteria provided. Collection method: clinical testing. Allele origin: unknown. Affected: yes. Observed: 1 variant allele.
Comment: Copy number variation identified through the course of routine clinical cytogenomic testing in postnatal populations, with clinical assertions as classified by the original submitter.

GRCh38/hg38 Xq28(chrX:153688786-153697345)x1

Gene: SLC6A8 (solute carrier family 6 member 8; plus strand). Cytogenetic location: Xq28.
Variant type: copy number loss.
Change: copy number 1 of chrX:153,688,786-153,697,345 (8.6 kb, GRCh38 coordinates, 1-based), cytogenetic band Xq28.
Identifiers: ClinVar variation 149837 (VCV000149837.3).